The following is an entry in ClinVar:

ClinVar aggregate classification (germline): Uncertain significance. Review status: criteria provided, multiple submitters, no conflicts (2 of 4 stars). 3 submissions from 3 submitters: Uncertain significance (3). Last evaluated 2025-08-13.

Conditions:
Inborn genetic diseases. Identifiers: MedGen C0950123, MeSH D030342.
SLC12A1-related disorder. Also called: SLC12A1-related condition.

Allele frequency attached by ClinVar (database versions not stated): ExAC 0.00017; gnomAD exomes 0.00021; ESP Exome Variant Server 0.00031; gnomAD 0.00035 and 0.00067; TOPMed 0.00063.
gnomAD v4.1: 594 of 1,611,278 alleles (0.037%); highest among the groups gnomAD compares: Non-Finnish European, 0.044%; 2 homozygotes.

Submissions (3):

PreventionGenetics, part of Exact Sciences
Classification: Uncertain significance for SLC12A1-related condition. Last evaluated: 2025-08-13. Review status: criteria provided, single submitter. Criteria: ACMG Guidelines, 2015. Collection method: clinical testing. Allele origin: germline.
Comment: The SLC12A1 c.2362G>A variant is predicted to result in the amino acid substitution p.Ala788Thr. To our knowledge, this variant has not been reported in the literature. This variant is reported in 0.048% of alleles in individuals of African descent in gnomAD. At this time, the clinical significance of this variant is uncertain due to the absence of conclusive functional and genetic evidence.

Ambry Genetics
Classification: Uncertain significance for Inborn genetic diseases. Last evaluated: 2025-03-25. Review status: criteria provided, single submitter. Criteria: Ambry Variant Classification Scheme 2023. Collection method: clinical testing. Allele origin: germline.

Labcorp Genetics (formerly Invitae), Labcorp
Classification: Uncertain significance. Last evaluated: 2022-05-10. Review status: criteria provided, single submitter. Criteria: Invitae Variant Classification Sherloc (09022015). Collection method: clinical testing. Allele origin: germline.
Comment: This sequence change replaces alanine, which is neutral and non-polar, with threonine, which is neutral and polar, at codon 788 of the SLC12A1 protein (p.Ala788Thr). This variant is present in population databases (rs141282557, gnomAD 0.05%). This variant has not been reported in the literature in individuals affected with SLC12A1-related conditions. Algorithms developed to predict the effect of missense changes on protein structure and function (SIFT, PolyPhen-2, Align-GVGD) all suggest that this variant is likely to be tolerated. In summary, the available evidence is currently insufficient to determine the role of this variant in disease. Therefore, it has been classified as a Variant of Uncertain Significance.

NM_000338.3(SLC12A1):c.2362G>A (p.Ala788Thr)

Gene: SLC12A1 (solute carrier family 12 member 1; plus strand). Cytogenetic location: 15q21.1.
Variant type: single nucleotide variant.
Coding change: c.2362G>A on transcript NM_000338.3 (MANE Select); coding-DNA position 2362, G replaced by A.
Protein change: p.Ala788Thr; replaces alanine 788 with threonine.
Molecular consequence: missense variant.
Genome position (GRCh38, 1-based): chr15:48,269,724, G>A. VCF-style: chr15-48269724-G-A. GRCh37 (hg19) VCF-style: chr15-48561921-G-A.
Other names: c.2362G>A (NM_000338.2); c.2362G>A, p.Ala788Thr (NM_001184832.2, NM_001384136.1); short protein forms A788T.
Identifiers: ClinVar variation 1514498 (VCV001514498.6), dbSNP rs141282557, ClinGen allele CA7547372.
Genomic context (GRCh38, chr15:48,269,724, plus strand): 5'-GGCTTAGGAAGAATGAAACCAAACACTCTGGTGATTGGATATAAGAAAAACTGGAGGAAA[G>A]CTCCCTTGACAGAGATTGAGAACTACGTGGGAATCATACAGTAAGTGATGGCTTTCAAGA-3'
Protein context (NP_000329.2, residues 778-798): VIGYKKNWRK[Ala788Thr]PLTEIENYVG